The following is an entry in ClinVar:

ClinVar aggregate classification (germline): Uncertain significance. Review status: criteria provided, multiple submitters, no conflicts (2 of 4 stars). 2 submissions from 2 submitters: Uncertain significance (2). Last evaluated 2025-12-11.

Conditions:
Hyperekplexia 3 (HKPX3). Also called: HYPEREKPLEXIA 3, AUTOSOMAL RECESSIVE; HYPEREKPLEXIA 3, AUTOSOMAL DOMINANT. Identifiers: Orphanet 3197, MedGen C3553288, MONDO:0013827, OMIM 614618.
Inborn genetic diseases. Identifiers: MedGen C0950123, MeSH D030342.

gnomAD v4.1: 1 of 1,607,424 alleles (0.000062%); highest among the groups gnomAD compares: Non-Finnish European, 0.000085%; no homozygotes.

Submissions (2):

Labcorp Genetics (formerly Invitae), Labcorp
Classification: Uncertain significance for Hyperekplexia 3. Last evaluated: 2025-12-11. Review status: criteria provided, single submitter. Criteria: Invitae Variant Classification Sherloc (09022015). Collection method: clinical testing. Allele origin: germline.
Comment: This sequence change replaces glycine, which is neutral and non-polar, with aspartic acid, which is acidic and polar, at codon 544 of the SLC6A5 protein (p.Gly544Asp). This variant is not present in population databases (gnomAD no frequency). This variant has not been reported in the literature in individuals affected with SLC6A5-related conditions. ClinVar contains an entry for this variant (Variation ID: 3957571). Invitae Evidence Modeling of protein sequence and biophysical properties (such as structural, functional, and spatial information, amino acid conservation, physicochemical variation, residue mobility, and thermodynamic stability) has been performed for this missense variant. However, the output from this modeling did not meet the statistical confidence thresholds required to predict the impact of this variant on SLC6A5 protein function. In summary, the available evidence is currently insufficient to determine the role of this variant in disease. Therefore, it has been classified as a Variant of Uncertain Significance.

Ambry Genetics
Classification: Uncertain significance for Inborn genetic diseases. Last evaluated: 2025-05-17. Review status: criteria provided, single submitter. Criteria: Ambry Variant Classification Scheme 2023. Collection method: clinical testing. Allele origin: germline.

NM_004211.5(SLC6A5):c.1631G>A (p.Gly544Asp)

Gene: SLC6A5 (solute carrier family 6 member 5; plus strand). Cytogenetic location: 11p15.1.
Variant type: single nucleotide variant.
Coding change: c.1631G>A on transcript NM_004211.5 (MANE Select); coding-DNA position 1631, G replaced by A.
Protein change: p.Gly544Asp; replaces glycine 544 with aspartic acid.
Molecular consequence: missense variant.
Genome position (GRCh38, 1-based): chr11:20,636,313, G>A. VCF-style: chr11-20636313-G-A. GRCh37 (hg19) VCF-style: chr11-20657859-G-A.
Other names: c.929G>A, p.Gly310Asp (NM_001318369.2); short protein forms G310D, G544D.
Identifiers: ClinVar variation 3957571 (VCV003957571.2).